The following is an entry in ClinVar:

ClinVar aggregate classification (germline): Uncertain significance (1 of 4 stars; one submission).

Allele frequency attached by ClinVar (database versions not stated): gnomAD exomes below 0.00001; TOPMed below 0.00001.

Submission:

Labcorp Genetics (formerly Invitae), Labcorp
Classification: Uncertain significance. Last evaluated: 2023-04-28. Review status: criteria provided, single submitter. Criteria: Invitae Variant Classification Sherloc (09022015). Collection method: clinical testing. Allele origin: germline.
Comment: This sequence change replaces alanine, which is neutral and non-polar, with threonine, which is neutral and polar, at codon 307 of the MNX1 protein (p.Ala307Thr). This variant is not present in population databases (gnomAD no frequency). This variant has not been reported in the literature in individuals affected with MNX1-related conditions. Advanced modeling of protein sequence and biophysical properties (such as structural, functional, and spatial information, amino acid conservation, physicochemical variation, residue mobility, and thermodynamic stability) performed at Invitae indicates that this missense variant is not expected to disrupt MNX1 protein function. In summary, the available evidence is currently insufficient to determine the role of this variant in disease. Therefore, it has been classified as a Variant of Uncertain Significance.

NM_005515.4(MNX1):c.919G>A (p.Ala307Thr)

Gene: MNX1 (motor neuron and pancreas homeobox 1; minus strand). Cytogenetic location: 7q36.3.
Variant type: single nucleotide variant.
Coding change: c.919G>A on transcript NM_005515.4 (MANE Select); coding-DNA position 919, G replaced by A.
Protein change: p.Ala307Thr; replaces alanine 307 with threonine.
Molecular consequence: missense variant.
Genome position (GRCh38, 1-based): chr7:157,005,807, C>T on the plus strand (G>A on the coding strand, the complement: MNX1 is on the minus strand). VCF-style: chr7-157005807-C-T. GRCh37 (hg19) VCF-style: chr7-156798501-C-T.
Other names: c.283G>A, p.Ala95Thr (NM_001165255.2); short protein forms A307T, A95T.
Identifiers: ClinVar variation 2860371 (VCV002860371.3), dbSNP rs1183187589, ClinGen allele CA370161955.